The following is an entry in ClinVar:

ClinVar aggregate classification (germline): Benign/Likely benign. Review status: criteria provided, multiple submitters, no conflicts (2 of 4 stars). 4 submissions from 4 submitters: Benign (3); Likely benign (1). Last evaluated 2026-04-01.

Allele frequency attached by ClinVar (database versions not stated): 1000 Genomes Project 30x 0.00109; 1000 Genomes Project 0.00120; TOPMed 0.00218; ESP Exome Variant Server 0.00295; gnomAD 0.00535 and 0.00555; ExAC 0.00608; gnomAD exomes 0.00661.

Submissions (4):

CeGaT Center for Human Genetics Tuebingen
Classification: Likely benign. Last evaluated: 2026-04-01. Review status: criteria provided, single submitter. Criteria: CeGaT Center For Human Genetics Tuebingen Variant Classification Criteria Version 2. Collection method: clinical testing. Allele origin: germline. Affected: yes. Observed: 8 variant alleles.
Comment: DSPP: BP4, BS2

GeneDx
Classification: Benign. Last evaluated: 2021-05-17. Review status: criteria provided, single submitter. Criteria: GeneDx Variant Classification Process June 2021. Collection method: clinical testing. Allele origin: germline. Affected: yes.

Athena Diagnostics
Classification: Benign. Last evaluated: 2020-07-09. Review status: criteria provided, single submitter. Criteria: Athena Diagnostics Criteria. Collection method: clinical testing. Allele origin: unknown.

Breakthrough Genomics
Classification: Benign. Review status: criteria provided, single submitter. Criteria: ACMG Guidelines, 2015. Collection method: not provided. Allele origin: germline. Inheritance: Autosomal dominant inheritance. Affected: yes.

NM_014208.3(DSPP):c.1259T>C (p.Val420Ala)

Genes: DMP1-AS1 (DMP1 and DSPP antisense RNA 1; minus strand), DSPP (dentin sialophosphoprotein; plus strand). Cytogenetic location: 4q22.1.
Variant type: single nucleotide variant.
Coding change: c.1259T>C on transcript NM_014208.3 (MANE Select); coding-DNA position 1259, T replaced by C.
Protein change: p.Val420Ala; replaces valine 420 with alanine.
Molecular consequence: missense variant.
Genome position (GRCh38, 1-based): chr4:87,613,921, T>C. VCF-style: chr4-87613921-T-C. GRCh37 (hg19) VCF-style: chr4-88535073-T-C.
Other names: short protein forms V420A.
Identifiers: ClinVar variation 995083 (VCV000995083.35), dbSNP rs191967636, ClinGen allele CA3001070.
Genomic context (GRCh38, chr4:87,613,921, plus strand): 5'-AGGATAAAGGACAACATGGAATGATCTTGGGCAAAGGCAATGTCAAGACACAAGGAGAGG[T>C]TGTCAACATAGAAGGACCTGGCCAAAAATCAGAACCAGGAAATAAAGTTGGACACAGCAA-3'
Protein context (NP_055023.2, residues 410-430): GKGNVKTQGE[Val420Ala]VNIEGPGQKS